The following is an entry in ClinVar:

NM_000038.6(APC):c.683T>G (p.Ile228Arg)

Gene: APC (APC regulator of Wnt signaling pathway; plus strand). Cytogenetic location: 5q22.2.
Variant type: single nucleotide variant.
Coding change: c.683T>G on transcript NM_000038.6 (MANE Select); coding-DNA position 683, T replaced by G.
Protein change: p.Ile228Arg; replaces isoleucine 228 with arginine.
Molecular consequence: missense variant. On other transcripts: 5 prime UTR variant (4), non-coding transcript variant (2), intron variant (5).
Genome position (GRCh38, 1-based): chr5:112,792,483, T>G. VCF-style: chr5-112792483-T-G. GRCh37 (hg19) VCF-style: chr5-112128180-T-G.
Other names: c.683T>G, p.Ile228Arg (NM_001407450.1, NM_001407454.1, NM_001407455.1 and 12 more transcripts); c.608T>G, p.Ile203Arg (NM_001407451.1, NM_001354898.2, NM_001354904.2); c.506T>G, p.Ile169Arg (NM_001407453.1, NM_001354900.2, NM_001354901.2 and 1 more transcripts); c.-353T>G (NM_001407470.1, NM_001407471.1, NM_001407472.1 and 1 more transcripts); c.646-8796T>G (NM_001407452.1, NM_001407469.1, NM_001354899.2 and 1 more transcripts); c.676-8796T>G (NM_001127511.3); c.713T>G, p.Ile238Arg (NM_001354897.2, NM_001354902.2, NM_001407446.1); short protein forms I228R, I238R, I169R, I203R.
Identifiers: ClinVar variation 2796056 (VCV002796056.3), dbSNP rs2149684377, ClinGen allele CA16022834.

ClinVar aggregate classification (germline): Uncertain significance (1 of 4 stars; one submission).

Conditions:
Familial adenomatous polyposis 1 (FAP1). Also called: FAMILIAL ADENOMATOUS POLYPOSIS 1, ATTENUATED; POLYPOSIS, ADENOMATOUS INTESTINAL. Identifiers: MedGen C2713442, MONDO:0021056, OMIM 175100. Disease mechanism: loss of function.

Submission:

Labcorp Genetics (formerly Invitae), Labcorp
Classification: Uncertain significance for Familial adenomatous polyposis 1. Last evaluated: 2023-11-24. Review status: criteria provided, single submitter. Criteria: Invitae Variant Classification Sherloc (09022015). Collection method: clinical testing. Allele origin: germline.
Comment: This sequence change replaces isoleucine, which is neutral and non-polar, with arginine, which is basic and polar, at codon 228 of the APC protein (p.Ile228Arg). This variant is not present in population databases (gnomAD no frequency). This variant has not been reported in the literature in individuals affected with APC-related conditions. Advanced modeling of protein sequence and biophysical properties (such as structural, functional, and spatial information, amino acid conservation, physicochemical variation, residue mobility, and thermodynamic stability) performed at Invitae indicates that this missense variant is not expected to disrupt APC protein function with a negative predictive value of 95%. In summary, the available evidence is currently insufficient to determine the role of this variant in disease. Therefore, it has been classified as a Variant of Uncertain Significance.